The following is an entry in ClinVar:

ClinVar aggregate classification (germline): Pathogenic (1 of 4 stars; one submission).

Conditions:
Hereditary fructosuria. Also called: ALDOB DEFICIENCY; ALDOLASE B DEFICIENCY; FRUCTOSE-1,6-BISPHOSPHATE ALDOLASE B DEFICIENCY; FRUCTOSE-1-PHOSPHATE ALDOLASE DEFICIENCY; FRUCTOSEMIA; Hereditary fructose intolerance. Identifiers: Orphanet 469, MedGen C0016751, MONDO:0009249, OMIM 229600, HP:0005973. Disease mechanism: loss of function.

Submission:

Labcorp Genetics (formerly Invitae), Labcorp
Classification: Pathogenic for Hereditary fructosuria. Last evaluated: 2021-11-17. Review status: criteria provided, single submitter. Criteria: Invitae Variant Classification Sherloc (09022015). Collection method: clinical testing. Allele origin: germline.
Comment: A gross deletion of the genomic region encompassing the full coding sequence of the ALDOB gene has been identified. Loss-of-function variants in ALDOB are known to be pathogenic (PMID: 18541450). The boundaries of this event are unknown as they extend beyond the assayed region for this gene and therefore may encompass additional genes. This variant has not been reported in the literature in individuals affected with ALDOB-related conditions. For these reasons, this variant has been classified as Pathogenic.

Literature cited by the submitters: PubMed 18541450.

NC_000009.11:g.(?_104124710)_(104500261_?)del

Genes: ALDOB (aldolase, fructose-bisphosphate B; minus strand), BAAT (bile acid-CoA:amino acid N-acyltransferase; minus strand), GRIN3A (glutamate ionotropic receptor NMDA type subunit 3A; minus strand), MRPL50 (mitochondrial ribosomal protein L50; minus strand), PGAP4 (post-GPI attachment to proteins GalNAc transferase 4; minus strand) and 3 more. Cytogenetic location: 9q31.1.
Variant type: Deletion.
Identifiers: ClinVar variation 2422164 (VCV002422164.4).